The following is an entry in ClinVar:

NM_001114748.2(TMEM240):c.240G>A (p.Thr80=)

Gene: TMEM240 (transmembrane protein 240; minus strand). Cytogenetic location: 1p36.33.
Variant type: single nucleotide variant.
Coding change: c.240G>A on transcript NM_001114748.2 (MANE Select); coding-DNA position 240, G replaced by A.
Protein change: p.Thr80=; no amino-acid change (threonine 80 retained).
Molecular consequence: synonymous variant.
Genome position (GRCh38, 1-based): chr1:1,535,722, C>T on the plus strand (G>A on the coding strand, the complement: TMEM240 is on the minus strand). VCF-style: chr1-1535722-C-T. GRCh37 (hg19) VCF-style: chr1-1471102-C-T.
Identifiers: ClinVar variation 727922 (VCV000727922.10), dbSNP rs371009717, ClinGen allele CA526689.

ClinVar aggregate classification (germline): Benign. Review status: criteria provided, single submitter (1 of 4 stars). 2 submissions from 2 submitters: Benign (1). 1 of the submissions does not count toward it. Last evaluated 2023-07-03.

Conditions:
TMEM240-related disorder. Also called: TMEM240-related condition.

Allele frequency attached by ClinVar (database versions not stated): TOPMed 0.00102; ESP Exome Variant Server 0.00131; 1000 Genomes Project 30x 0.00047.
gnomAD v4.1: 384 of 1,550,464 alleles (0.025%); highest among the groups gnomAD compares: Middle Eastern, 0.28%; 4 homozygotes.

Submissions (2):

Labcorp Genetics (formerly Invitae), Labcorp
Classification: Benign. Last evaluated: 2023-07-03. Review status: criteria provided, single submitter. Criteria: Invitae Variant Classification Sherloc (09022015). Collection method: clinical testing. Allele origin: germline.

PreventionGenetics, part of Exact Sciences
Classification: Likely benign for TMEM240-related condition. Last evaluated: 2022-03-17. Review status: no assertion criteria provided. Collection method: clinical testing. Allele origin: germline. Not counted in ClinVar's aggregate classification.
Comment: This variant is classified as likely benign based on ACMG/AMP sequence variant interpretation guidelines (Richards et al. 2015 PMID: 25741868, with internal and published modifications).